The following is an entry in ClinVar:

ClinVar aggregate classification (germline): Uncertain significance. Review status: criteria provided, multiple submitters, no conflicts (2 of 4 stars). 6 submissions from 6 submitters: Uncertain significance (6). Last evaluated 2026-04-02.

Conditions:
Congenital multicore myopathy with external ophthalmoplegia (CMYO1B). Also called: MULTIMINICORE DISEASE WITH EXTERNAL OPHTHALMOPLEGIA; MULTICORE MYOPATHY; Congenital myopathy 1B, autosomal recessive; Minicore myopathy; Minicore myopathy with external ophthalmoplegia. Identifiers: Orphanet 598, Orphanet 98905, MedGen C1850674, MONDO:0009712, OMIM 255320, HP:0003789.
Congenital myopathy with fiber type disproportion. Also called: Congenital fiber-type disproportion myopathy; Congenital fiber-type disproportion. Identifiers: Orphanet 2020, MedGen C0546264, MONDO:0009711. Inheritance: all.
Central core myopathy (CMYO1A). Also called: CONGENITAL MYOPATHY 1A, AUTOSOMAL DOMINANT, WITH SUSCEPTIBILITY TO MALIGNANT HYPERTHERMIA; Central core disease; Myopathy, central fibrillar. Identifiers: Orphanet 597, MedGen C5830701, MONDO:0007294, OMIM 117000.
King Denborough syndrome (KDS). Identifiers: MedGen C1840365, MONDO:0020485, OMIM 619542.
Malignant hyperthermia, susceptibility to, 1 (MHS1). Also called: Anesthesia related hyperthermia; Malignant hyperpyrexia; Fulminating hyperpyrexia; Pharmacogenic myopathy; RYR1-Related Malignant Hyperthermia Susceptibility; Malignant hyperthermia suceptibility 1. Identifiers: Orphanet 423, MedGen C2930980, MONDO:0007783, OMIM 145600.
RYR1-related disorder. Also called: RYR1-related disorders; RYR1-related condition. Identifiers: MedGen CN239331.
Inborn genetic diseases. Identifiers: MedGen C0950123, MeSH D030342.

Allele frequency attached by ClinVar (database versions not stated): gnomAD exomes below 0.00001 and 0.00001; ExAC 0.00001; TOPMed 0.00001; gnomAD 0.00001.
gnomAD v4.1: 21 of 1,613,966 alleles (0.0013%); highest among the groups gnomAD compares: East Asian, 0.0022%; no homozygotes.

Submissions (6):

GeneDx
Classification: Uncertain significance. Last evaluated: 2026-04-02. Review status: criteria provided, single submitter. Criteria: GeneDx Variant Classification Process June 2021. Collection method: clinical testing. Allele origin: germline.
Comment: Not observed at significant frequency in large population cohorts (gnomAD); In silico analysis supports that this missense variant has a deleterious effect on protein structure/function; Has not been previously published as pathogenic or benign to our knowledge

Ambry Genetics
Classification: Uncertain significance for Inborn genetic diseases. Last evaluated: 2025-06-03. Review status: criteria provided, single submitter. Criteria: Ambry Variant Classification Scheme 2023. Collection method: clinical testing. Allele origin: germline.

Color Diagnostics, LLC DBA Color Health
Classification: Uncertain significance for Malignant hyperthermia, susceptibility to, 1. Last evaluated: 2024-02-14. Review status: criteria provided, single submitter. Criteria: ACMG Guidelines, 2015. Collection method: clinical testing. Allele origin: germline.
Comment: This missense variant replaces isoleucine with threonine at codon 3345 of the RYR1 protein. Computational prediction suggests that this variant may have deleterious impact on protein structure and function. To our knowledge, functional studies have not been reported for this variant. This variant has not been reported in individuals affected with RYR1-related disorders in the literature. This variant has been identified in 3/282276 chromosomes in the general population by the Genome Aggregation Database (gnomAD). The available evidence is insufficient to determine the role of this variant in disease conclusively. Therefore, this variant is classified as a Variant of Uncertain Significance.

Labcorp Genetics (formerly Invitae), Labcorp
Classification: Uncertain significance for RYR1-related disorder. Last evaluated: 2022-08-16. Review status: criteria provided, single submitter. Criteria: Invitae Variant Classification Sherloc (09022015). Collection method: clinical testing. Allele origin: germline.
Comment: This sequence change replaces isoleucine, which is neutral and non-polar, with threonine, which is neutral and polar, at codon 3345 of the RYR1 protein (p.Ile3345Thr). This variant is present in population databases (rs757271636, gnomAD 0.002%). This variant has not been reported in the literature in individuals affected with RYR1-related conditions. ClinVar contains an entry for this variant (Variation ID: 658397). Advanced modeling of protein sequence and biophysical properties (such as structural, functional, and spatial information, amino acid conservation, physicochemical variation, residue mobility, and thermodynamic stability) performed at Invitae indicates that this missense variant is expected to disrupt RYR1 protein function. In summary, the available evidence is currently insufficient to determine the role of this variant in disease. Therefore, it has been classified as a Variant of Uncertain Significance.

Revvity Omics, Revvity
Classification: Uncertain significance. Last evaluated: 2021-09-20. Review status: criteria provided, single submitter. Criteria: ACMG Guidelines, 2015. Collection method: clinical testing. Allele origin: germline.

Fulgent Genetics
Classification: Uncertain significance for Central core myopathy; Malignant hyperthermia, susceptibility to, 1; Congenital myopathy 4A, autosomal dominant; Congenital multicore myopathy with external ophthalmoplegia; King Denborough syndrome. Last evaluated: 2021-08-11. Review status: criteria provided, single submitter. Criteria: ACMG Guidelines, 2015. Collection method: clinical testing. Allele origin: unknown.

NM_000540.3(RYR1):c.10034T>C (p.Ile3345Thr)

Gene: RYR1 (ryanodine receptor 1; plus strand). Cytogenetic location: 19q13.2.
Variant type: single nucleotide variant.
Coding change: c.10034T>C on transcript NM_000540.3 (MANE Select); coding-DNA position 10034, T replaced by C.
Protein change: p.Ile3345Thr; replaces isoleucine 3345 with threonine.
Molecular consequence: missense variant.
Genome position (GRCh38, 1-based): chr19:38,519,229, T>C. VCF-style: chr19-38519229-T-C. GRCh37 (hg19) VCF-style: chr19-39009869-T-C.
Other names: c.10034T>C, p.Ile3345Thr (NM_001042723.2); short protein forms I3345T.
Identifiers: ClinVar variation 658397 (VCV000658397.12), dbSNP rs757271636, ClinGen allele CA052228.